The following is an entry in ClinVar:

ClinVar aggregate classification (germline): Pathogenic (1 of 4 stars; one submission).

Conditions:
Autosomal dominant nonsyndromic hearing loss 1. Also called: KONIGSMARK SYNDROME; DEAFNESS, AUTOSOMAL DOMINANT 1, WITH OR WITHOUT THROMBOCYTOPENIA. Identifiers: Orphanet 90635, MedGen C1852282, MONDO:0007424, OMIM 124900.
Progressive microcephaly-seizures-cortical blindness-developmental delay syndrome. Also called: Seizures, cortical blindness, and microcephaly syndrome. Identifiers: Orphanet 477814, MedGen C5567650, MONDO:0014714, OMIM 616632.

Submission:

Labcorp Genetics (formerly Invitae), Labcorp
Classification: Pathogenic for Progressive microcephaly-seizures-cortical blindness-developmental delay syndrome; Autosomal dominant nonsyndromic hearing loss 1. Last evaluated: 2024-05-15. Review status: criteria provided, single submitter. Criteria: Invitae Variant Classification Sherloc (09022015). Collection method: clinical testing. Allele origin: germline.
Comment: This sequence change creates a premature translational stop signal (p.Gly11Alafs*31) in the DIAPH1 gene. It is expected to result in an absent or disrupted protein product. Loss-of-function variants in DIAPH1 are known to be pathogenic (PMID: 24781755, 26463574). This variant is not present in population databases (gnomAD no frequency). This variant has not been reported in the literature in individuals affected with DIAPH1-related conditions. For these reasons, this variant has been classified as Pathogenic.

Literature cited by the submitters: PubMed 24781755; PubMed 26463574.

NM_005219.5(DIAPH1):c.30del (p.Gly11fs)

Gene: DIAPH1 (diaphanous related formin 1; minus strand). Cytogenetic location: 5q31.3.
Variant type: Deletion.
Coding change: c.30del on transcript NM_005219.5 (MANE Select); coding-DNA position 30, one base deleted (C; older notation c.30delC).
Protein change: p.Gly11fs; shifts the reading frame from glycine 11.
Molecular consequence: frameshift variant.
Genome position (GRCh38, 1-based): chr5:141,618,885, G deleted on the plus strand (C on the coding strand, the reverse complement: DIAPH1 is on the minus strand); the first of 3 consecutive G bases (chr5:141,618,885-141,618,887); deleting any one gives the same sequence. VCF-style (leftmost placement, unchanged base first): chr5-141618884-CG-C. GRCh37 (hg19) VCF-style: chr5-140998451-CG-C.
Other names: c.30del, p.Gly11fs (NM_001079812.3, NM_001314007.2); short protein forms G11fs.
Identifiers: ClinVar variation 3752601 (VCV003752601.2).